The following is an entry in ClinVar:

ClinVar aggregate classification (germline): Uncertain significance (1 of 4 stars; one submission).

Conditions:
Familial temporal lobe epilepsy 7. Identifiers: Orphanet 101046, MedGen C4225327, MONDO:0014639, OMIM 616436.
Norman-Roberts syndrome (LIS2). Also called: Lissencephaly 2 (Norman-Roberts type). Identifiers: Orphanet 89844, MedGen C0796089, MONDO:0009760, OMIM 257320.

Allele frequency attached by ClinVar (database versions not stated): gnomAD exomes below 0.00001; ExAC 0.00001.
gnomAD v4.1: 1 of 1,614,236 alleles (0.000062%); highest among the groups gnomAD compares: South Asian, 0.0011%; no homozygotes.

Submission:

Labcorp Genetics (formerly Invitae), Labcorp
Classification: Uncertain significance for Familial temporal lobe epilepsy 7; Norman-Roberts syndrome. Last evaluated: 2020-07-10. Review status: criteria provided, single submitter. Criteria: Invitae Variant Classification Sherloc (09022015). Collection method: clinical testing. Allele origin: germline.
Comment: In summary, the available evidence is currently insufficient to determine the role of this variant in disease. Therefore, it has been classified as a Variant of Uncertain Significance. Algorithms developed to predict the effect of missense changes on protein structure and function are either unavailable or do not agree on the potential impact of this missense change (SIFT: "Deleterious"; PolyPhen-2: "Probably Damaging"; Align-GVGD: "Class C0"). This variant has not been reported in the literature in individuals with RELN-related conditions. This variant is present in population databases (rs749494726, ExAC 0.006%). This sequence change replaces threonine with isoleucine at codon 2362 of the RELN protein (p.Thr2362Ile). The threonine residue is moderately conserved and there is a moderate physicochemical difference between threonine and isoleucine.

NM_005045.4(RELN):c.7085C>T (p.Thr2362Ile)

Gene: RELN (reelin; minus strand). Cytogenetic location: 7q22.1.
Variant type: single nucleotide variant.
Coding change: c.7085C>T on transcript NM_005045.4 (MANE Select); coding-DNA position 7085, C replaced by T.
Protein change: p.Thr2362Ile; replaces threonine 2362 with isoleucine.
Molecular consequence: missense variant.
Genome position (GRCh38, 1-based): chr7:103,539,173, G>A on the plus strand (C>T on the coding strand, the complement: RELN is on the minus strand). VCF-style: chr7-103539173-G-A. GRCh37 (hg19) VCF-style: chr7-103179620-G-A.
Other names: c.7085C>T, p.Thr2362Ile (NM_173054.3); short protein forms T2362I.
Identifiers: ClinVar variation 1019924 (VCV001019924.8), dbSNP rs749494726, ClinGen allele CA4420814.
Genomic context (GRCh38, chr7:103,539,173, plus strand): 5'-AAGTCTATCTGTAGGAAGGAATCCTCATTCACGGCAACGTCTGTGCTGACCACGTAACGG[G>A]TGCTGGCCTTTTCAATGAAGACCAGGGCATCACCAGTAGAGCCACACACGGGCATCTTGG-3'
Protein context (NP_005036.2, residues 2352-2372): DALVFIEKAS[Thr2362Ile]RYVVSTDVAV